The following is an entry in ClinVar:

NM_015178.3(RHOBTB2):c.673C>T (p.Gln225Ter)

Gene: RHOBTB2 (Rho related BTB domain containing 2; plus strand). Cytogenetic location: 8p21.3.
Variant type: single nucleotide variant.
Coding change: c.673C>T on transcript NM_015178.3 (MANE Select); coding-DNA position 673, C replaced by T.
Protein change: p.Gln225Ter; replaces glutamine 225 with a stop codon.
Molecular consequence: nonsense.
Genome position (GRCh38, 1-based): chr8:23,006,918, C>T. VCF-style: chr8-23006918-C-T. GRCh37 (hg19) VCF-style: chr8-22864431-C-T.
Other names: c.739C>T, p.Gln247Ter (NM_001160036.2); c.694C>T, p.Gln232Ter (NM_001160037.2); c.673C>T, p.Gln225Ter (NM_001374791.1); short protein forms Q225*, Q232*, Q247*.
Identifiers: ClinVar variation 2997710 (VCV002997710.3), dbSNP rs2487007970, ClinGen allele CA370564830.
Genomic context (GRCh38, chr8:23,006,918, plus strand): 5'-CGAGCTGCACTCATCTCCCGCCGCCACCTGCAGTTCTGGAAGTCCCACCTCCGCAATGTG[C>T]AGCGGCCTCTGCTGCAGGCACCCTTCCTACCCCCCAAGCCACCGCCCCCGATCATCGTGG-3'

ClinVar aggregate classification (germline): Uncertain significance (1 of 4 stars; one submission).

Allele frequency attached by ClinVar (database versions not stated): gnomAD exomes below 0.00001.
gnomAD v4.1: 1 of 1,613,900 alleles (0.000062%); highest among the groups gnomAD compares: Non-Finnish European, 0.000085%; no homozygotes.

Submission:

Labcorp Genetics (formerly Invitae), Labcorp
Classification: Uncertain significance. Last evaluated: 2025-11-23. Review status: criteria provided, single submitter. Criteria: Invitae Variant Classification Sherloc (09022015). Collection method: clinical testing. Allele origin: germline.
Comment: This sequence change creates a premature translational stop signal (p.Gln247*) in the RHOBTB2 gene. It is expected to result in an absent or disrupted protein product. However, the current clinical and genetic evidence is not sufficient to establish whether loss-of-function variants in RHOBTB2 cause disease. This variant is not present in population databases (gnomAD no frequency). This variant has not been reported in the literature in individuals affected with RHOBTB2-related conditions. ClinVar contains an entry for this variant (Variation ID: 2997710). In summary, the available evidence is currently insufficient to determine the role of this variant in disease. Therefore, it has been classified as a Variant of Uncertain Significance.